The following is an entry in ClinVar:

NM_000051.4(ATM):c.5545_5553del (p.Ile1849_Leu1851del)

Gene: ATM (ATM serine/threonine kinase; plus strand). Cytogenetic location: 11q22.3.
Variant type: Deletion.
Coding change: c.5545_5553del on transcript NM_000051.4 (MANE Select); coding-DNA positions 5545 to 5553, 9 bases deleted (ATTTTACTC; older notation c.5545_5553delATTTTACTC).
Protein change: p.Ile1849_Leu1851del.
Genome position (GRCh38, 1-based): chr11:108,304,723-108,304,731, ATTTTACTC deleted. VCF-style (leftmost placement, unchanged base first): chr11-108304722-TATTTTACTC-T. GRCh37 (hg19) VCF-style: chr11-108175449-TATTTTACTC-T.
Other names: c.5545_5553del, p.Ile1849_Leu1851del (NM_001351834.2).
Identifiers: ClinVar variation 4758311 (VCV004758311.1).

ClinVar aggregate classification (germline): Uncertain significance (1 of 4 stars; one submission).

Conditions:
Hereditary cancer-predisposing syndrome. Also called: Tumor predisposition; Hereditary Cancer Syndrome; Neoplastic Syndromes, Hereditary; Hereditary neoplastic syndrome. Identifiers: Orphanet 140162, MedGen C0027672, MeSH D009386, MONDO:0015356.

Submission:

Color Diagnostics, LLC DBA Color Health
Classification: Uncertain significance for Hereditary cancer-predisposing syndrome. Last evaluated: 2025-05-13. Review status: criteria provided, single submitter. Criteria: ACMG Guidelines, 2015. Collection method: clinical testing. Allele origin: germline.
Comment: This variant causes an in-frame deletion of one amino acid at exon 37 of the ATM protein. To our knowledge, functional studies have not been reported for this variant. This variant has not been reported in individuals affected with ATM-related disorders in the literature. This variant has not been identified in the general population by the Genome Aggregation Database (gnomAD). The available evidence is insufficient to determine the role of this variant in disease conclusively. Therefore, this variant is classified as a Variant of Uncertain Significance.